The following is an entry in ClinVar:

ClinVar aggregate classification (germline): Benign/Likely benign. Review status: no assertion criteria provided (0 of 4 stars). 2 submissions from 2 submitters: Benign (1); Likely benign (1). Last evaluated 2024-08-27.

Conditions:
BNC2-related disorder. Also called: BNC2-related condition.
Amelogenesis imperfecta (AI). Also called: Congenital enamel hypoplasia. Identifiers: Orphanet 88661, MedGen C0002452, MONDO:0019507, HP:0000705.

Allele frequency attached by ClinVar (database versions not stated): gnomAD below 0.00001 and 0.00001; TOPMed below 0.00001; gnomAD exomes 0.00005 and 0.00008; ExAC 0.00008.
gnomAD v4.1: 70 of 1,607,898 alleles (0.0044%); highest among the groups gnomAD compares: South Asian, 0.077%; 1 homozygote.

Submissions (2):

PreventionGenetics, part of Exact Sciences
Classification: Likely benign for BNC2-related condition. Last evaluated: 2024-08-27. Review status: no assertion criteria provided. Collection method: clinical testing. Allele origin: germline.
Comment: This variant is classified as likely benign based on ACMG/AMP sequence variant interpretation guidelines (Richards et al. 2015 PMID: 25741868, with internal and published modifications).

Institute of Human Genetics, University of Ulm
Classification: Benign for Amelogenesis imperfecta. Last evaluated: 2019-04-10. Review status: no assertion criteria provided. Collection method: research. Allele origin: germline. Inheritance: Autosomal recessive inheritance. Affected: yes. Observed: 1 homozygote.

NM_017637.6(BNC2):c.2860G>A (p.Ala954Thr)

Genes: BNC2 (basonuclin zinc finger protein 2; minus strand), BNC2-AS1 (BNC2 antisense RNA 1; plus strand). Cytogenetic location: 9p22.3.
Variant type: single nucleotide variant.
Coding change: c.2860G>A on transcript NM_017637.6 (MANE Select); coding-DNA position 2860, G replaced by A.
Protein change: p.Ala954Thr; replaces alanine 954 with threonine.
Molecular consequence: missense variant. On other transcripts: 3 prime UTR variant (1).
Genome position (GRCh38, 1-based): chr9:16,419,429, C>T on the plus strand (G>A on the coding strand, the complement: BNC2 is on the minus strand). VCF-style: chr9-16419429-C-T. GRCh37 (hg19) VCF-style: chr9-16419427-C-T.
Other names: c.*204G>A (NM_001317939.2); c.2575G>A, p.Ala859Thr (NM_001317940.2); short protein forms A859T, A954T.
Identifiers: ClinVar variation 870151 (VCV000870151.4), dbSNP rs763487720, ClinGen allele CA4995673.